The following is an entry in ClinVar:

NM_000330.4(RS1):c.185-3110G>T

Genes: CDKL5 (cyclin dependent kinase like 5; plus strand), RS1 (retinoschisin 1; minus strand). Cytogenetic location: Xp22.13.
Variant type: single nucleotide variant.
Coding change: c.185-3110G>T on transcript NM_000330.4 (MANE Select); 3110 bases into the intron before coding-DNA position 185, G replaced by T.
Molecular consequence: intron variant. On other transcripts: missense variant (2).
Genome position (GRCh38, 1-based): chrX:18,650,442, C>A on the plus strand (G>T on the coding strand, the complement: RS1 is on the minus strand). VCF-style: chrX-18650442-C-A. GRCh37 (hg19) VCF-style: chrX-18668562-C-A.
Other names: c.2830C>A, p.Pro944Thr (NM_001037343.2, NM_003159.3); short protein forms P944T.
Identifiers: ClinVar variation 1977105 (VCV001977105.27), dbSNP rs200236257, ClinGen allele CA10360731.

ClinVar aggregate classification (germline): Benign/Likely benign. Review status: criteria provided, multiple submitters, no conflicts (2 of 4 stars). 3 submissions from 3 submitters: Benign (2); Likely benign (1). Last evaluated 2025-10-02.

Conditions:
CDKL5 disorder. Identifiers: MedGen CN296942, MONDO:0100039.
Developmental and epileptic encephalopathy, 2 (DEE2). Also called: INFANTILE SPASM SYNDROME, X-LINKED 2; CDKL5 deficiency disorder. Identifiers: Orphanet 1934, Orphanet 3451, Orphanet 505652, MedGen C4750718, MONDO:0010396, OMIM 300672.
Angelman syndrome-like. Identifiers: MedGen CN128785.

Allele frequency attached by ClinVar (database versions not stated): gnomAD 0.00004; ExAC 0.00006; TOPMed 0.00003; 1000 Genomes Project 30x 0.00021; 1000 Genomes Project 0.00026.
gnomAD v4.1: 32 of 1,210,369 alleles (0.0026%); highest among the groups gnomAD compares: Admixed American, 0.0044%; no homozygotes.

Submissions (3):

Labcorp Genetics (formerly Invitae), Labcorp
Classification: Benign for Developmental and epileptic encephalopathy, 2; Angelman syndrome-like. Last evaluated: 2025-10-02. Review status: criteria provided, single submitter. Criteria: Invitae Variant Classification Sherloc (09022015). Collection method: clinical testing. Allele origin: germline.

Centre for Population Genomics, CPG
Classification: Benign for CDKL5 disorder. Last evaluated: 2024-07-22. Review status: criteria provided, single submitter. Criteria: McKnight et al. (Hum Mutat. 2022). Collection method: curation. Allele origin: germline. Inheritance: X-linked inheritance.
Comment: This variant has been collected from RettBASE and curated to current modified ACMG/AMP criteria. Based on the classification scheme defined by the ClinGen Rett/Angelman-like Expert Panel for Rett/AS-like Disorders Specifications to the ACMG/AMP Variant Interpretation Guidelines VCEP 3.0, this variant is classified as benign. At least the following criteria are met: The allele frequency of this variant in at least one population in gnomAD v4 is higher than the 0.03% threshold defined by the ClinGen Rett/Angelman-like Expert Panel for Rett/AS-like Disorders VCEP 3.0 (BA1).

CeGaT Center for Human Genetics Tuebingen
Classification: Likely benign. Last evaluated: 2022-07-01. Review status: criteria provided, single submitter. Criteria: CeGaT Center For Human Genetics Tuebingen Variant Classification Criteria Version 2. Collection method: clinical testing. Allele origin: germline. Affected: yes. Observed: 1 variant allele.
Comment: CDKL5: BP4